The following is an entry in ClinVar:

NM_001130965.3(SUN1):c.2140G>A (p.Ala714Thr)

Gene: SUN1 (Sad1 and UNC84 domain containing 1; plus strand). Cytogenetic location: 7p22.3.
Variant type: single nucleotide variant.
Coding change: c.2140G>A on transcript NM_001130965.3 (MANE Select); coding-DNA position 2140, G replaced by A.
Protein change: p.Ala714Thr; replaces alanine 714 with threonine.
Molecular consequence: missense variant. On other transcripts: non-coding transcript variant (3).
Genome position (GRCh38, 1-based): chr7:869,508, G>A. VCF-style: chr7-869508-G-A. GRCh37 (hg19) VCF-style: chr7-909145-G-A.
Other names: c.1831G>A, p.Ala611Thr (NM_001171944.2); c.2140G>A, p.Ala714Thr (NM_001367633.1, NM_001367634.1, NM_001367653.1); c.1789G>A, p.Ala597Thr (NM_001367635.1); c.2380G>A, p.Ala794Thr (NM_001367636.1, NM_001367691.1); c.2248G>A, p.Ala750Thr (NM_001367638.1); c.1681G>A, p.Ala561Thr (NM_001367639.1); c.2320G>A, p.Ala774Thr (NM_001367640.1); c.2422G>A, p.Ala808Thr (NM_001367641.1, NM_001367682.1); and 44 more; short protein forms A631T, A701T, A718T, A728T, A750T, A764T, A767T, A775T.
Identifiers: ClinVar variation 1518394 (VCV001518394.9), dbSNP rs759639292, ClinGen allele CA4112489.

ClinVar aggregate classification (germline): Uncertain significance. Review status: criteria provided, multiple submitters, no conflicts (2 of 4 stars). 2 submissions from 2 submitters: Uncertain significance (2). Last evaluated 2025-11-17.

Conditions:
Emery-Dreifuss muscular dystrophy (EDMD). Also called: Scapuloperoneal syndrome, X-linked (formerly); Humeroperoneal neuromuscular disease, (formerly). Identifiers: Orphanet 261, MedGen C0410189, MONDO:0016830.

Allele frequency attached by ClinVar (database versions not stated): gnomAD 0.00001; gnomAD exomes 0.00001; TOPMed 0.00001; ExAC 0.00002.

Submissions (2):

Labcorp Genetics (formerly Invitae), Labcorp
Classification: Uncertain significance for Emery-Dreifuss muscular dystrophy. Last evaluated: 2025-11-17. Review status: criteria provided, single submitter. Criteria: Invitae Variant Classification Sherloc (09022015). Collection method: clinical testing. Allele origin: germline.
Comment: This sequence change replaces alanine, which is neutral and non-polar, with threonine, which is neutral and polar, at codon 714 of the SUN1 protein (p.Ala714Thr). This variant is present in population databases (rs759639292, gnomAD 0.002%). This variant has not been reported in the literature in individuals affected with SUN1-related conditions. ClinVar contains an entry for this variant (Variation ID: 1518394). An algorithm developed to predict the effect of missense changes on protein structure and function outputs the following: PolyPhen-2: "Probably Damaging". The threonine amino acid residue is found in multiple mammalian species, which suggests that this missense change does not adversely affect protein function. In summary, the available evidence is currently insufficient to determine the role of this variant in disease. Therefore, it has been classified as a Variant of Uncertain Significance.

Ambry Genetics
Classification: Uncertain significance. Last evaluated: 2025-03-11. Review status: criteria provided, single submitter. Criteria: Ambry Variant Classification Scheme 2023. Collection method: clinical testing. Allele origin: germline.